The following is an entry in ClinVar:

NM_005629.4(SLC6A8):c.626C>T (p.Pro209Leu)

Gene: SLC6A8 (solute carrier family 6 member 8; plus strand). Cytogenetic location: Xq28.
Variant type: single nucleotide variant.
Coding change: c.626C>T on transcript NM_005629.4 (MANE Select); coding-DNA position 626, C replaced by T.
Protein change: p.Pro209Leu; replaces proline 209 with leucine.
Molecular consequence: missense variant.
Genome position (GRCh38, 1-based): chrX:153,691,535, C>T. VCF-style: chrX-153691535-C-T. GRCh37 (hg19) VCF-style: chrX-152956990-C-T.
Other names: c.626C>T, p.Pro209Leu (NM_001142805.2); c.281C>T, p.Pro94Leu (NM_001142806.1); short protein forms P209L, P94L.
Identifiers: ClinVar variation 4864652 (VCV004864652.1).

ClinVar aggregate classification (germline): Uncertain significance (1 of 4 stars; one submission).

Conditions:
Inborn genetic diseases. Identifiers: MedGen C0950123, MeSH D030342.

Submission:

Ambry Genetics
Classification: Uncertain significance for Inborn genetic diseases. Last evaluated: 2026-06-02. Review status: criteria provided, single submitter. Criteria: Ambry Variant Classification Scheme 2023. Collection method: clinical testing. Allele origin: germline.
Comment: The c.626C>T (p.P209L) alteration is located in exon 3 (coding exon 3) of the SLC6A8 gene. This alteration results from a C to T substitution at nucleotide position 626, causing the proline (P) at amino acid position 209 to be replaced by a leucine (L). This variant was not reported in population-based cohorts in the Genome Aggregation Database (gnomAD). This amino acid position is highly conserved in available vertebrate species. This missense variant is located in a region that has a low rate of benign missense variation (Lek, 2016; Firth, 2009). The in silico prediction for this alteration is inconclusive. Based on insufficient or conflicting evidence, the clinical significance of this alteration remains unclear.